The following is an entry in ClinVar:

ClinVar aggregate classification (germline): Pathogenic. Review status: criteria provided, multiple submitters, no conflicts (2 of 4 stars). 5 submissions from 5 submitters: Pathogenic (4). 1 of the submissions does not count toward it. Last evaluated 2025-12-09.

Conditions:
ENG-related disorder. Also called: ENG-related disorders; ENG-related condition.
Hereditary hemorrhagic telangiectasia (HHT). Also called: Osler hemorrhagic telangiectasia syndrome; ORW DISEASE; Osler Weber Rendu syndrome; OSLER-RENDU-WEBER DISEASE. Identifiers: Orphanet 774, MedGen C0039445, MONDO:0019180. Disease mechanism: loss of function.
Cardiovascular phenotype. Identifiers: MedGen CN230736.

Submissions (5):

Labcorp Genetics (formerly Invitae), Labcorp
Classification: Pathogenic for Hereditary hemorrhagic telangiectasia. Last evaluated: 2025-12-09. Review status: criteria provided, single submitter. Criteria: Invitae Variant Classification Sherloc (09022015). Collection method: clinical testing. Allele origin: germline.
Comment: This sequence change creates a premature translational stop signal (p.Leu572*) in the ENG gene. While this is not anticipated to result in nonsense mediated decay, it is expected to disrupt the last 54 amino acid(s) of the ENG protein. This variant is not present in population databases (gnomAD no frequency). This premature translational stop signal has been observed in individuals with clinical features of hereditary hemorrhagic telangiectasia (PMID: 11440987; internal data). This variant is also known as delta571. ClinVar contains an entry for this variant (Variation ID: 213213). Algorithms developed to predict the effect of variants on gene product structure and function are not available or were not evaluated for this variant. Experimental studies have shown that this premature translational stop signal affects ENG function (PMID: 11440987). This variant disrupts the C-terminus of the ENG protein. Other variant(s) that disrupt this region (p.Pro577Argfs*42, p.Ile602Serfs*38) have been observed in individuals with ENG-related conditions (PMID: 21158752, 23919827). This suggests that this may be a clinically significant region of the protein. For these reasons, this variant has been classified as Pathogenic.

GeneDx
Classification: Pathogenic. Last evaluated: 2025-03-20. Review status: criteria provided, single submitter. Criteria: GeneDx Variant Classification Process June 2021. Collection method: clinical testing. Allele origin: germline. Affected: yes.
Comment: Reported previously in two individuals from one family with pulmonary and cerebral arteriovenous malformations, and also identified in a patient with cerebral and pulmonary arteriovenous malformations, stroke, and epistaxis referred for genetic testing at GeneDx (PMID: 11440987); Not observed at significant frequency in large population cohorts (gnomAD); Published functional studies demonstrate a damaging effect as p.(L572*) results in low levels of truncated endoglin protein and causes impaired endoglin secretion (PMID: 11440987); Nonsense variant predicted to result in protein truncation, as the last 54amino acid(s) are lost, and other loss-of-function variants have been reported downstream in HGMD; This variant is associated with the following publications: (PMID: 25525159, 15907823, 11440987)

Mayo Clinic Laboratories, Mayo Clinic
Classification: Pathogenic. Last evaluated: 2024-07-23. Review status: criteria provided, single submitter. Criteria: ACMG Guidelines, 2015. Collection method: clinical testing. Allele origin: germline.
Comment: PM2, PS3_supporting, PS4_moderate, PVS1

Ambry Genetics
Classification: Pathogenic for Cardiovascular phenotype. Last evaluated: 2022-04-05. Review status: criteria provided, single submitter. Criteria: Ambry Variant Classification Scheme 2023. Collection method: clinical testing. Allele origin: germline.
Comment: The p.L572* pathogenic mutation (also known as c.1715T>A), located in coding exon 13 of the ENG gene, results from a T to A substitution at nucleotide position 1715. This changes the amino acid from a leucine to a stop codon within coding exon 13. This mutation was described in a family with both pulmonary and cerebral arteriovenous malformations. In addition, in vitro studies suggested impaired processing and undetectable level of truncated protein (Paquet ME et al. Hum. Mol. Genet., 2001 Jun;10:1347-57). In addition to the clinical data presented in the literature, this alteration is expected to result in loss of function by premature protein truncation or nonsense-mediated mRNA decay. As such, this alteration is interpreted as a disease-causing mutation.

PreventionGenetics, part of Exact Sciences
Classification: Pathogenic for ENG-related condition. Last evaluated: 2024-08-04. Review status: no assertion criteria provided. Collection method: clinical testing. Allele origin: germline. Not counted in ClinVar's aggregate classification.
Comment: The ENG c.1715T>A variant is predicted to result in premature protein termination (p.Leu572*). This variant has been reported in an individual with hereditary hemorrhagic telangiectasia (referred to as T1715A in Paquet et al. 2001. PubMed ID: 11440987). This variant has not been reported in a large population database, indicating this variant is rare. Nonsense variants in ENG are expected to be pathogenic. This variant is interpreted as pathogenic.

Literature cited by the submitters: PubMed 11440987 (cited by 3 submitters); PubMed 21158752 (cited by Labcorp Genetics (formerly Invitae), Labcorp); PubMed 23919827 (cited by Labcorp Genetics (formerly Invitae), Labcorp); PubMed 12667943 (cited by Mayo Clinic Laboratories, Mayo Clinic); PubMed 14972453 (cited by Mayo Clinic Laboratories, Mayo Clinic); PubMed 15907823 (cited by Mayo Clinic Laboratories, Mayo Clinic); PubMed 24336440 (cited by Mayo Clinic Laboratories, Mayo Clinic).

NM_001114753.3(ENG):c.1715T>A (p.Leu572Ter)

Genes: ENG (endoglin; minus strand), LOC102723566 (uncharacterized LOC102723566; plus strand). Cytogenetic location: 9q34.11.
Variant type: single nucleotide variant.
Coding change: c.1715T>A on transcript NM_001114753.3 (MANE Select); coding-DNA position 1715, T replaced by A.
Protein change: p.Leu572Ter; replaces leucine 572 with a stop codon.
Molecular consequence: nonsense. On other transcripts: non-coding transcript variant (1).
Genome position (GRCh38, 1-based): chr9:127,817,175, A>T on the plus strand (T>A on the coding strand, the complement: ENG is on the minus strand). VCF-style: chr9-127817175-A-T. GRCh37 (hg19) VCF-style: chr9-130579454-A-T.
Other names: p.L572*:TTG>TAG; c.1715T>A, p.Leu572Ter (NM_000118.4); c.1169T>A, p.Leu390Ter (NM_001278138.2); short protein forms L572*, L390*.
Identifiers: ClinVar variation 213213 (VCV000213213.21), dbSNP rs863223539, ClinGen allele CA322673.